The following is an entry in ClinVar:

NM_005585.5(SMAD6):c.259G>T (p.Gly87Trp)

Gene: SMAD6 (SMAD family member 6; plus strand). Cytogenetic location: 15q22.31.
Variant type: single nucleotide variant.
Coding change: c.259G>T on transcript NM_005585.5 (MANE Select); coding-DNA position 259, G replaced by T.
Protein change: p.Gly87Trp; replaces glycine 87 with tryptophan.
Molecular consequence: missense variant. On other transcripts: non-coding transcript variant (1).
Genome position (GRCh38, 1-based): chr15:66,703,517, G>T. VCF-style: chr15-66703517-G-T. GRCh37 (hg19) VCF-style: chr15-66995855-G-T.
Other names: short protein forms G87W.
Identifiers: ClinVar variation 1793624 (VCV001793624.7), dbSNP rs1422119769, ClinGen allele CA392949081.
Genomic context (GRCh38, chr15:66,703,517, plus strand): 5'-CGGCCCCGGGACGCAGTGGGACAGCGAGGCGCCCAGGGCGCGGGGAGGCGCCGGCGCGCA[G>T]GGGGCCCCCCGAGGCCCATGTCGGAGCCAGGGGCCGGCGCTGGGAGCTCCCTGCTGGACG-3'
Protein context (NP_005576.3, residues 77-97): AQGAGRRRRA[Gly87Trp]GPPRPMSEPG

ClinVar aggregate classification (germline): Uncertain significance. Review status: criteria provided, multiple submitters, no conflicts (2 of 4 stars). 2 submissions from 2 submitters: Uncertain significance (2). Last evaluated 2025-10-23.

Conditions:
Aortic valve disease 2 (AOVD2). Identifiers: MedGen C3542024, MONDO:0013902, OMIM 614823.
Inborn genetic diseases. Identifiers: MedGen C0950123, MeSH D030342.

gnomAD v4.1: 38 of 1,222,274 alleles (0.0031%); highest among the groups gnomAD compares: Non-Finnish European, 0.0038%; no homozygotes.

Submissions (2):

Labcorp Genetics (formerly Invitae), Labcorp
Classification: Uncertain significance for Aortic valve disease 2. Last evaluated: 2025-10-23. Review status: criteria provided, single submitter. Criteria: Invitae Variant Classification Sherloc (09022015). Collection method: clinical testing. Allele origin: germline.
Comment: This sequence change replaces glycine, which is neutral and non-polar, with tryptophan, which is neutral and slightly polar, at codon 87 of the SMAD6 protein (p.Gly87Trp). This variant is not present in population databases (gnomAD no frequency). This variant has not been reported in the literature in individuals affected with SMAD6-related conditions. ClinVar contains an entry for this variant (Variation ID: 1793624). An algorithm developed to predict the effect of missense changes on protein structure and function (PolyPhen-2) suggests that this variant is likely to be disruptive. In summary, the available evidence is currently insufficient to determine the role of this variant in disease. Therefore, it has been classified as a Variant of Uncertain Significance.

Ambry Genetics
Classification: Uncertain significance for Inborn genetic diseases. Last evaluated: 2021-12-03. Review status: criteria provided, single submitter. Criteria: Ambry Variant Classification Scheme 2023. Collection method: clinical testing. Allele origin: germline.
Comment: The p.G87W variant (also known as c.259G>T), located in coding exon 1 of the SMAD6 gene, results from a G to T substitution at nucleotide position 259. The glycine at codon 87 is replaced by tryptophan, an amino acid with highly dissimilar properties. This amino acid position is conserved. In addition, this alteration is predicted to be tolerated by in silico analysis. Since supporting evidence is limited at this time, the clinical significance of this alteration remains unclear.